The following is an entry in ClinVar:

NC_000001.10:g.(?_45288087)_(45289067_?)dup

Gene: PTCH2 (patched 2; minus strand). Cytogenetic location: 1p34.1.
Variant type: Duplication.
Identifiers: ClinVar variation 1439922 (VCV001439922.8).

ClinVar aggregate classification (germline): Uncertain significance (1 of 4 stars; one submission).

Conditions:
Gorlin syndrome. Also called: Basal cell nevus syndrome; Nevoid Basal Cell Carcinoma Syndrome. Identifiers: Orphanet 377, MedGen C0004779, MONDO:0007187.

Submission:

Labcorp Genetics (formerly Invitae), Labcorp
Classification: Uncertain significance for Gorlin syndrome. Last evaluated: 2021-12-20. Review status: criteria provided, single submitter. Criteria: Invitae Variant Classification Sherloc (09022015). Collection method: clinical testing. Allele origin: germline.
Comment: In summary, the available evidence is currently insufficient to determine the role of this variant in disease. Therefore, it has been classified as a Variant of Uncertain Significance. This variant has not been reported in the literature in individuals affected with PTCH2-related conditions. This variant results in a copy number gain of the genomic region encompassing exon(s) 20-22 of the PTCH2 gene. This region includes the termination codon of the gene. This copy number gain extends beyond the assayed region for this gene and therefore may encompass additional genes. As the precise location of this event is unknown, it may be in tandem or it may be located elsewhere in the genome.